The following is an entry in ClinVar:

ClinVar aggregate classification (germline): Conflicting classifications of pathogenicity. Review status: criteria provided, conflicting classifications (1 of 4 stars). 3 submissions from 3 submitters: Uncertain significance (2); Benign (1). Last evaluated 2024-03-05.

Conditions:
Spinocerebellar ataxia, autosomal recessive, with axonal neuropathy 2 (SCAN2). Also called: Ataxia with Oculomotor Apraxia; ATAXIA-OCULOMOTOR APRAXIA 2; Ataxia-ocular apraxia-2; Ataxia with Oculomotor Apraxia Type 2. Identifiers: Orphanet 64753, MedGen C1853761, MONDO:0018996, OMIM 606002.
Amyotrophic lateral sclerosis type 4 (ALS4). Also called: AMYOTROPHIC LATERAL SCLEROSIS 4, JUVENILE; NEURONOPATHY, DISTAL HEREDITARY MOTOR, WITH PYRAMIDAL FEATURES. Identifiers: Orphanet 357043, MedGen C1865409, MONDO:0011223, OMIM 602433.
Inborn genetic diseases. Identifiers: MedGen C0950123, MeSH D030342.

Submissions (3):

GeneDx
Classification: Uncertain significance. Last evaluated: 2024-03-05. Review status: criteria provided, single submitter. Criteria: GeneDx Variant Classification Process June 2021. Collection method: clinical testing. Allele origin: germline. Affected: yes.
Comment: In silico analysis supports that this missense variant does not alter protein structure/function; Has not been previously published as pathogenic or benign to our knowledge

Labcorp Genetics (formerly Invitae), Labcorp
Classification: Benign for Amyotrophic lateral sclerosis type 4; Spinocerebellar ataxia, autosomal recessive, with axonal neuropathy 2. Last evaluated: 2022-06-08. Review status: criteria provided, single submitter. Criteria: Invitae Variant Classification Sherloc (09022015). Collection method: clinical testing. Allele origin: germline.

Ambry Genetics
Classification: Uncertain significance for Inborn genetic diseases. Last evaluated: 2020-11-03. Review status: criteria provided, single submitter. Criteria: Ambry Variant Classification Scheme 2023. Collection method: clinical testing. Allele origin: germline.
Comment: The p.I15F variant (also known as c.43A>T), located in coding exon 1 of the SETX gene, results from an A to T substitution at nucleotide position 43. The isoleucine at codon 15 is replaced by phenylalanine, an amino acid with highly similar properties. This amino acid position is poorly conserved in available vertebrate species. In addition, this alteration is predicted to be tolerated by in silico analysis. Since supporting evidence is limited at this time, the clinical significance of this alteration remains unclear.

NM_015046.7(SETX):c.43A>T (p.Ile15Phe)

Gene: SETX (senataxin; minus strand). Cytogenetic location: 9q34.13.
Variant type: single nucleotide variant.
Coding change: c.43A>T on transcript NM_015046.7 (MANE Select); coding-DNA position 43, A replaced by T.
Protein change: p.Ile15Phe; replaces isoleucine 15 with phenylalanine.
Molecular consequence: missense variant.
Genome position (GRCh38, 1-based): chr9:132,349,386, T>A on the plus strand (A>T on the coding strand, the complement: SETX is on the minus strand). VCF-style: chr9-132349386-T-A. GRCh37 (hg19) VCF-style: chr9-135224773-T-A.
Other names: c.43A>T, p.Ile15Phe (NM_001351527.2, NM_001351528.2); short protein forms I15F.
Identifiers: ClinVar variation 1740298 (VCV001740298.8), dbSNP rs151040199, ClinGen allele CA5298145.